The following is an entry in ClinVar:

ClinVar aggregate classification (germline): Uncertain significance. Review status: criteria provided, multiple submitters, no conflicts (2 of 4 stars). 2 submissions from 2 submitters: Uncertain significance (2). Last evaluated 2025-05-25.

Conditions:
Inborn genetic diseases. Identifiers: MedGen C0950123, MeSH D030342.

Allele frequency attached by ClinVar (database versions not stated): gnomAD exomes 0.00001; TOPMed 0.00003; ExAC 0.00001; gnomAD 0.00004.
gnomAD v4.1: 14 of 1,613,840 alleles (0.00087%); highest among the groups gnomAD compares: African/African-American, 0.011%; no homozygotes.

Submissions (2):

Ambry Genetics
Classification: Uncertain significance for Inborn genetic diseases. Last evaluated: 2025-05-25. Review status: criteria provided, single submitter. Criteria: Ambry Variant Classification Scheme 2023. Collection method: clinical testing. Allele origin: germline.

Labcorp Genetics (formerly Invitae), Labcorp
Classification: Uncertain significance. Last evaluated: 2021-09-17. Review status: criteria provided, single submitter. Criteria: Invitae Variant Classification Sherloc (09022015). Collection method: clinical testing. Allele origin: germline.
Comment: This sequence change replaces aspartic acid with histidine at codon 590 of the AGPS protein (p.Asp590His). The aspartic acid residue is highly conserved and there is a moderate physicochemical difference between aspartic acid and histidine. This variant is present in population databases (rs370003716, ExAC 0.01%). This variant has not been reported in the literature in individuals with AGPS-related conditions. Algorithms developed to predict the effect of missense changes on protein structure and function are either unavailable or do not agree on the potential impact of this missense change (SIFT: "Deleterious"; PolyPhen-2: "Benign"; Align-GVGD: "Class C25"). In summary, the available evidence is currently insufficient to determine the role of this variant in disease. Therefore, it has been classified as a Variant of Uncertain Significance.

NM_003659.4(AGPS):c.1768G>C (p.Asp590His)

Gene: AGPS (alkylglycerone phosphate synthase; plus strand). Cytogenetic location: 2q31.2.
Variant type: single nucleotide variant.
Coding change: c.1768G>C on transcript NM_003659.4 (MANE Select); coding-DNA position 1768, G replaced by C.
Protein change: p.Asp590His; replaces aspartic acid 590 with histidine.
Molecular consequence: missense variant.
Genome position (GRCh38, 1-based): chr2:177,521,339, G>C. VCF-style: chr2-177521339-G-C. GRCh37 (hg19) VCF-style: chr2-178386067-G-C.
Other names: c.1768G>C (NM_003659.3); short protein forms D590H.
Identifiers: ClinVar variation 2059459 (VCV002059459.2), dbSNP rs370003716, ClinGen allele CA1980423.